The following is an entry in ClinVar:

ClinVar aggregate classification (germline): Benign. Review status: criteria provided, multiple submitters, no conflicts (2 of 4 stars). 3 submissions from 3 submitters: Benign (3). Last evaluated 2021-07-10.

Conditions:
Charcot-Marie-Tooth disease type 4D. Also called: CHARCOT-MARIE-TOOTH DISEASE, DEMYELINATING, AUTOSOMAL RECESSIVE, TYPE 4D; CHARCOT-MARIE-TOOTH DISEASE, DEMYELINATING, TYPE 4D; Charcot-Marie-Tooth Neuropathy Type 4D; NEUROPATHY, HEREDITARY MOTOR AND SENSORY, LOM TYPE. Identifiers: Orphanet 99950, MedGen C1832334, MONDO:0011085, OMIM 601455.

Allele frequency attached by ClinVar (database versions not stated): 1000 Genomes Project 0.14157; 1000 Genomes Project 30x 0.14788; TOPMed 0.18617; ESP Exome Variant Server 0.19737.
gnomAD v4.1: 223,675 of 1,580,198 alleles (14%); highest among the groups gnomAD compares: African/African-American, 30%; 18,230 homozygotes.

Submissions (3):

Genome-Nilou Lab
Classification: Benign for Charcot-Marie-Tooth disease type 4D. Last evaluated: 2021-07-10. Review status: criteria provided, single submitter. Criteria: ACMG Guidelines, 2015. Collection method: clinical testing. Allele origin: germline. Affected: no.

GeneDx
Classification: Benign. Last evaluated: 2018-06-19. Review status: criteria provided, single submitter. Criteria: GeneDx Variant Classification (06012015). Collection method: clinical testing. Allele origin: germline. Affected: yes.
Comment: This variant is considered likely benign or benign based on one or more of the following criteria: it is a conservative change, it occurs at a poorly conserved position in the protein, it is predicted to be benign by multiple in silico algorithms, and/or has population frequency not consistent with disease.

Breakthrough Genomics
Classification: Benign. Review status: criteria provided, single submitter. Criteria: ACMG Guidelines, 2015. Collection method: not provided. Allele origin: germline. Inheritance: Autosomal recessive inheritance. Affected: yes.

NM_006096.4(NDRG1):c.327-48C>G

Gene: NDRG1 (N-myc downstream regulated 1; minus strand). Cytogenetic location: 8q24.22.
Variant type: single nucleotide variant.
Coding change: c.327-48C>G on transcript NM_006096.4 (MANE Select); 48 bases into the intron before coding-DNA position 327, C replaced by G.
Molecular consequence: intron variant.
Genome position (GRCh38, 1-based): chr8:133,259,278, G>C on the plus strand (C>G on the coding strand, the complement: NDRG1 is on the minus strand). VCF-style: chr8-133259278-G-C. GRCh37 (hg19) VCF-style: chr8-134271521-G-C.
Other names: c.129-48C>G (NM_001258432.2, NM_001374847.1); c.84-48C>G (NM_001258433.2); c.327-48C>G (NM_001374844.1, NM_001135242.2, NM_001374845.1 and 1 more transcripts).
Identifiers: ClinVar variation 671034 (VCV000671034.5), dbSNP rs2233326, ClinGen allele CA4886810.